The following is an entry in ClinVar:

NC_000007.14:g.(?_152648642)_(152649373_?)dup

Gene: XRCC2 (X-ray repair cross complementing 2; minus strand). Cytogenetic location: 7q36.1.
Variant type: Duplication.
Identifiers: ClinVar variation 3245890 (VCV003245890.1).

ClinVar aggregate classification (germline): Uncertain significance (1 of 4 stars; one submission).

Submission:

Labcorp Genetics (formerly Invitae), Labcorp
Classification: Uncertain significance. Last evaluated: 2023-06-03. Review status: criteria provided, single submitter. Criteria: Invitae Variant Classification Sherloc (09022015). Collection method: clinical testing. Allele origin: unknown.
Comment: This variant results in a copy number gain of the genomic region encompassing exon(s) 3 of the XRCC2 gene. This region includes the termination codon of the gene. This copy number gain extends beyond the assayed region for this gene and therefore may encompass additional genes. As the precise location of this event is unknown, it may be in tandem or it may be located elsewhere in the genome. In summary, the available evidence is currently insufficient to determine the role of this variant in disease. Therefore, it has been classified as a Variant of Uncertain Significance. This variant has not been reported in the literature in individuals affected with XRCC2-related conditions.